The following is an entry in ClinVar:

ClinVar aggregate classification (germline): Uncertain significance (1 of 4 stars; one submission).

Submission:

Labcorp Genetics (formerly Invitae), Labcorp
Classification: Uncertain significance. Last evaluated: 2024-09-09. Review status: criteria provided, single submitter. Criteria: Invitae Variant Classification Sherloc (09022015). Collection method: clinical testing. Allele origin: germline.
Comment: This sequence change replaces arginine, which is basic and polar, with cysteine, which is neutral and slightly polar, at codon 129 of the SNRNP200 protein (p.Arg129Cys). This variant is not present in population databases (gnomAD no frequency). This variant has not been reported in the literature in individuals affected with SNRNP200-related conditions. Invitae Evidence Modeling of protein sequence and biophysical properties (such as structural, functional, and spatial information, amino acid conservation, physicochemical variation, residue mobility, and thermodynamic stability) has been performed for this missense variant. However, the output from this modeling did not meet the statistical confidence thresholds required to predict the impact of this variant on SNRNP200 protein function. In summary, the available evidence is currently insufficient to determine the role of this variant in disease. Therefore, it has been classified as a Variant of Uncertain Significance.

NM_014014.5(SNRNP200):c.385C>T (p.Arg129Cys)

Gene: SNRNP200 (small nuclear ribonucleoprotein U5 subunit 200; minus strand). Cytogenetic location: 2q11.2.
Variant type: single nucleotide variant.
Coding change: c.385C>T on transcript NM_014014.5 (MANE Select); coding-DNA position 385, C replaced by T.
Protein change: p.Arg129Cys; replaces arginine 129 with cysteine.
Molecular consequence: missense variant.
Genome position (GRCh38, 1-based): chr2:96,301,713, G>A on the plus strand (C>T on the coding strand, the complement: SNRNP200 is on the minus strand). VCF-style: chr2-96301713-G-A. GRCh37 (hg19) VCF-style: chr2-96967451-G-A.
Other names: short protein forms R129C.
Identifiers: ClinVar variation 3638876 (VCV003638876.2).